The following is an entry in ClinVar:

NM_006059.4(LAMC3):c.2947T>C (p.Cys983Arg)

Gene: LAMC3 (laminin subunit gamma 3; plus strand). Cytogenetic location: 9q34.12.
Variant type: single nucleotide variant.
Coding change: c.2947T>C on transcript NM_006059.4 (MANE Select); coding-DNA position 2947, T replaced by C.
Protein change: p.Cys983Arg; replaces cysteine 983 with arginine.
Molecular consequence: missense variant.
Genome position (GRCh38, 1-based): chr9:131,069,728, T>C. VCF-style: chr9-131069728-T-C. GRCh37 (hg19) VCF-style: chr9-133945115-T-C.
Other names: short protein forms C983R.
Identifiers: ClinVar variation 1362309 (VCV001362309.8), dbSNP rs1802839483, ClinGen allele CA375255439.

ClinVar aggregate classification (germline): Uncertain significance (1 of 4 stars; one submission).

Allele frequency attached by ClinVar (database versions not stated): gnomAD exomes below 0.00001; TOPMed below 0.00001.
gnomAD v4.1: 6 of 1,603,170 alleles (0.00037%); highest among the groups gnomAD compares: South Asian, 0.0056%; no homozygotes.

Submission:

Labcorp Genetics (formerly Invitae), Labcorp
Classification: Uncertain significance. Last evaluated: 2021-01-03. Review status: criteria provided, single submitter. Criteria: Invitae Variant Classification Sherloc (09022015). Collection method: clinical testing. Allele origin: germline.
Comment: In summary, the available evidence is currently insufficient to determine the role of this variant in disease. Therefore, it has been classified as a Variant of Uncertain Significance. Algorithms developed to predict the effect of missense changes on protein structure and function are either unavailable or do not agree on the potential impact of this missense change (SIFT: "Deleterious"; PolyPhen-2: "Probably Damaging"; Align-GVGD: "Class C0"). This variant has not been reported in the literature in individuals with LAMC3-related conditions. This variant is not present in population databases (ExAC no frequency). This sequence change replaces cysteine with arginine at codon 983 of the LAMC3 protein (p.Cys983Arg). The cysteine residue is highly conserved and there is a large physicochemical difference between cysteine and arginine.